The following is an entry in ClinVar:

NM_001009944.3(PKD1):c.7577G>T (p.Cys2526Phe)

Gene: PKD1 (polycystin 1, transient receptor potential channel interacting; minus strand). Cytogenetic location: 16p13.3.
Variant type: single nucleotide variant.
Coding change: c.7577G>T on transcript NM_001009944.3 (MANE Select); coding-DNA position 7577, G replaced by T.
Protein change: p.Cys2526Phe; replaces cysteine 2526 with phenylalanine.
Molecular consequence: missense variant.
Genome position (GRCh38, 1-based): chr16:2,106,217, C>A on the plus strand (G>T on the coding strand, the complement: PKD1 is on the minus strand). VCF-style: chr16-2106217-C-A. GRCh37 (hg19) VCF-style: chr16-2156218-C-A.
Other names: c.7577G>T, p.Cys2526Phe (NM_000296.4); short protein forms C2526F.
Identifiers: ClinVar variation 3418976 (VCV003418976.2).

ClinVar aggregate classification (germline): Uncertain significance. Review status: criteria provided, multiple submitters, no conflicts (2 of 4 stars). 2 submissions from 2 submitters: Uncertain significance (2). Last evaluated 2026-04-14.

Conditions:
Inborn genetic diseases. Identifiers: MedGen C0950123, MeSH D030342.
PKD1-related disorder. Also called: PKD1-related condition.

gnomAD v4.1: 17 of 1,610,110 alleles (0.0011%); highest among the groups gnomAD compares: African/African-American, 0.019%; no homozygotes.

Submissions (2):

PreventionGenetics, part of Exact Sciences
Classification: Uncertain significance for PKD1-related condition. Last evaluated: 2026-04-14. Review status: criteria provided, single submitter. Criteria: ACMG Guidelines, 2015. Collection method: clinical testing. Allele origin: germline.
Comment: The PKD1 c.7577G>T variant is predicted to result in the amino acid substitution p.Cys2526Phe. To our knowledge, this variant has not been reported in the literature. This variant is reported in 0.021% of alleles in individuals of African descent in gnomAD. Although we suspect that this variant may be benign, at this time, the clinical significance of this variant is uncertain due to the absence of conclusive functional and genetic evidence.

Ambry Genetics
Classification: Uncertain significance for Inborn genetic diseases. Last evaluated: 2024-08-11. Review status: criteria provided, single submitter. Criteria: Ambry Variant Classification Scheme 2023. Collection method: clinical testing. Allele origin: germline.